The following is an entry in ClinVar:

NM_000282.4(PCCA):c.1065+1G>C

Gene: PCCA (propionyl-CoA carboxylase subunit alpha; plus strand). Cytogenetic location: 13q32.3.
Variant type: single nucleotide variant.
Coding change: c.1065+1G>C on transcript NM_000282.4 (MANE Select); the canonical splice donor site of the intron after coding-DNA position 1065, G replaced by C.
Molecular consequence: splice donor variant.
Genome position (GRCh38, 1-based): chr13:100,273,347, G>C. VCF-style: chr13-100273347-G-C. GRCh37 (hg19) VCF-style: chr13-100925601-G-C.
Other names: c.1065+1G>C (NM_001178004.2, NM_001352605.2, NM_001352606.2 and 1 more transcripts); c.120+1G>C (NM_001352610.2, NM_001352611.2, NM_001352612.2); c.987+1G>C (NM_001127692.3, NM_001352607.2, NM_001352608.2).
Identifiers: ClinVar variation 861598 (VCV000861598.9), dbSNP rs2063433750, ClinGen allele CA388694999.
Genomic context (GRCh38, chr13:100,273,347, plus strand): 5'-GAGTTCCTTGTGGACTCTAAGAAGAATTTTTATTTCTTGGAAATGAATACAAGACTCCAG[G>C]TAACAACAACTGTTATTTATTCCTCTCCATGCCTCTGTACTTTACCCTTCCTTCTCCACC-3'

ClinVar aggregate classification (germline): Likely pathogenic (1 of 4 stars; one submission).

Conditions:
Propionic acidemia (PROP). Also called: GLYCINEMIA, KETOTIC; HYPERGLYCINEMIA WITH KETOACIDOSIS AND LEUKOPENIA; KETOTIC HYPERGLYCINEMIA. Identifiers: Orphanet 35, MedGen C0268579, MONDO:0011628, OMIM 606054, HP:0003571.

Submission:

Labcorp Genetics (formerly Invitae), Labcorp
Classification: Likely pathogenic for Propionic acidemia. Last evaluated: 2019-12-16. Review status: criteria provided, single submitter. Criteria: Invitae Variant Classification Sherloc (09022015). Collection method: clinical testing. Allele origin: germline.
Comment: In summary, the currently available evidence indicates that the variant is pathogenic, but additional data are needed to prove that conclusively. Therefore, this variant has been classified as Likely Pathogenic. Donor and acceptor splice site variants typically lead to a loss of protein function (PMID: 16199547), and loss-of-function variants in PCCA are known to be pathogenic (PMID: 15464417). Algorithms developed to predict the effect of sequence changes on RNA splicing suggest that this variant may disrupt the consensus splice site, but this prediction has not been confirmed by published transcriptional studies. This variant has not been reported in the literature in individuals with PCCA-related conditions. This variant is not present in population databases (ExAC no frequency). This sequence change affects a donor splice site in intron 12 of the PCCA gene. It is expected to disrupt RNA splicing and likely results in an absent or disrupted protein product.

Literature cited by the submitters: PubMed 16199547; PubMed 15464417.